The following is an entry in ClinVar:

ClinVar aggregate classification (germline): Uncertain significance (1 of 4 stars; one submission).

Conditions:
Inborn genetic diseases. Identifiers: MedGen C0950123, MeSH D030342.

Allele frequency attached by ClinVar (database versions not stated): gnomAD 0.00001.
gnomAD v4.1: 1 of 1,613,874 alleles (0.000062%); highest among the groups gnomAD compares: Non-Finnish European, 0.000085%; no homozygotes.

Submission:

Ambry Genetics
Classification: Uncertain significance for Inborn genetic diseases. Last evaluated: 2023-12-23. Review status: criteria provided, single submitter. Criteria: Ambry Variant Classification Scheme 2023. Collection method: clinical testing. Allele origin: germline.
Comment: The p.A246S variant (also known as c.736G>T), located in coding exon 7 of the RAD51 gene, results from a G to T substitution at nucleotide position 736. The alanine at codon 246 is replaced by serine, an amino acid with similar properties. This amino acid position is conserved. In addition, this alteration is predicted to be tolerated by in silico analysis. Since supporting evidence is limited at this time, the clinical significance of this alteration remains unclear.

NM_002875.5(RAD51):c.736G>T (p.Ala246Ser)

Gene: RAD51 (RAD51 recombinase; plus strand). Cytogenetic location: 15q15.1.
Variant type: single nucleotide variant.
Coding change: c.736G>T on transcript NM_002875.5 (MANE Select); coding-DNA position 736, G replaced by T.
Protein change: p.Ala246Ser; replaces alanine 246 with serine.
Molecular consequence: missense variant.
Genome position (GRCh38, 1-based): chr15:40,729,596, G>T. VCF-style: chr15-40729596-G-T. GRCh37 (hg19) VCF-style: chr15-41021794-G-T.
Other names: c.739G>T, p.Ala247Ser (NM_001164269.2, NM_133487.4); c.736G>T, p.Ala246Ser (NM_001164270.2); short protein forms A246S, A247S.
Identifiers: ClinVar variation 3222869 (VCV003222869.1), dbSNP rs1249286135, ClinGen allele CA391759099.